The following is an entry in ClinVar:

ClinVar aggregate classification (germline): Uncertain significance. Review status: criteria provided, multiple submitters, no conflicts (2 of 4 stars). 2 submissions from 2 submitters: Uncertain significance (2). Last evaluated 2024-01-26.

Conditions:
Cortical dysplasia-focal epilepsy syndrome (PTHSL1). Also called: Pitt-Hopkins-like syndrome 1. Identifiers: Orphanet 163681, Orphanet 221150, MedGen C2750246, MONDO:0012400, OMIM 610042.
Autism, susceptibility to, 15. Also called: Autism susceptibility 15. Identifiers: MedGen C2677504, MONDO:0012801, OMIM 612100.

Allele frequency attached by ClinVar (database versions not stated): TOPMed 0.00002.
gnomAD v4.1: 30 of 1,613,880 alleles (0.0019%); highest among the groups gnomAD compares: Non-Finnish European, 0.0025%; no homozygotes.

Submissions (2):

Fulgent Genetics
Classification: Uncertain significance for Cortical dysplasia-focal epilepsy syndrome; Autism, susceptibility to, 15. Last evaluated: 2024-01-26. Review status: criteria provided, single submitter. Criteria: ACMG Guidelines, 2015. Collection method: clinical testing. Allele origin: germline.

Labcorp Genetics (formerly Invitae), Labcorp
Classification: Uncertain significance for Cortical dysplasia-focal epilepsy syndrome. Last evaluated: 2022-10-13. Review status: criteria provided, single submitter. Criteria: Invitae Variant Classification Sherloc (09022015). Collection method: clinical testing. Allele origin: germline.
Comment: This sequence change replaces tyrosine, which is neutral and polar, with cysteine, which is neutral and slightly polar, at codon 58 of the CNTNAP2 protein (p.Tyr58Cys). This variant is present in population databases (rs747525088, gnomAD 0.002%). This variant has not been reported in the literature in individuals affected with CNTNAP2-related conditions. ClinVar contains an entry for this variant (Variation ID: 846657). Algorithms developed to predict the effect of missense changes on protein structure and function are either unavailable or do not agree on the potential impact of this missense change (SIFT: "Deleterious"; PolyPhen-2: "Probably Damaging"; Align-GVGD: "Class C0"). In summary, the available evidence is currently insufficient to determine the role of this variant in disease. Therefore, it has been classified as a Variant of Uncertain Significance.

NM_014141.6(CNTNAP2):c.173A>G (p.Tyr58Cys)

Gene: CNTNAP2 (contactin associated protein 2; plus strand). Cytogenetic location: 7q35.
Variant type: single nucleotide variant.
Coding change: c.173A>G on transcript NM_014141.6 (MANE Select); coding-DNA position 173, A replaced by G.
Protein change: p.Tyr58Cys; replaces tyrosine 58 with cysteine.
Molecular consequence: missense variant.
Genome position (GRCh38, 1-based): chr7:146,774,346, A>G. VCF-style: chr7-146774346-A-G. GRCh37 (hg19) VCF-style: chr7-146471438-A-G.
Other names: short protein forms Y58C.
Identifiers: ClinVar variation 846657 (VCV000846657.8), dbSNP rs747525088, ClinGen allele CA168644353.